The following is an entry in ClinVar:

ClinVar aggregate classification (germline): Uncertain significance (1 of 4 stars; one submission).

Conditions:
Perlman syndrome (PRLMNS). Identifiers: Orphanet 2849, MedGen C0796113, MONDO:0009965, OMIM 267000.

Submission:

Labcorp Genetics (formerly Invitae), Labcorp
Classification: Uncertain significance for Perlman syndrome. Last evaluated: 2022-02-24. Review status: criteria provided, single submitter. Criteria: Invitae Variant Classification Sherloc (09022015). Collection method: clinical testing. Allele origin: germline.
Comment: In summary, the available evidence is currently insufficient to determine the role of this variant in disease. Therefore, it has been classified as a Variant of Uncertain Significance. Algorithms developed to predict the effect of missense changes on protein structure and function are either unavailable or do not agree on the potential impact of this missense change (SIFT: "Deleterious"; PolyPhen-2: "Probably Damaging"; Align-GVGD: "Class C0"). This variant has not been reported in the literature in individuals affected with DIS3L2-related conditions. This variant is not present in population databases (gnomAD no frequency). This sequence change replaces isoleucine, which is neutral and non-polar, with valine, which is neutral and non-polar, at codon 382 of the DIS3L2 protein (p.Ile382Val).

NM_152383.5(DIS3L2):c.1144A>G (p.Ile382Val)

Gene: DIS3L2 (DIS3 like 3'-5' exoribonuclease 2; plus strand). Cytogenetic location: 2q37.1.
Variant type: single nucleotide variant.
Coding change: c.1144A>G on transcript NM_152383.5 (MANE Select); coding-DNA position 1144, A replaced by G.
Protein change: p.Ile382Val; replaces isoleucine 382 with valine.
Molecular consequence: missense variant. On other transcripts: non-coding transcript variant (2).
Genome position (GRCh38, 1-based): chr2:232,210,345, A>G. VCF-style: chr2-232210345-A-G. GRCh37 (hg19) VCF-style: chr2-233075055-A-G.
Other names: c.1144A>G, p.Ile382Val (NM_001257281.2); short protein forms I382V.
Identifiers: ClinVar variation 2173652 (VCV002173652.4), dbSNP rs2469982267, ClinGen allele CA351154012.
Genomic context (GRCh38, chr2:232,210,345, plus strand): 5'-TTATTTGTGGCATTGCTAATTGTTTCTTCACTCTTTCCTAGAAAAGACTGTATCTTCACC[A>G]TTGACCCATCAACCGCCCGAGACCTCGATGATGCCCTCTCCTGCAAGCCACTCGCTGACG-3'
Protein context (NP_689596.4, residues 372-392): RDLRKDCIFT[Ile382Val]DPSTARDLDD